The following is an entry in ClinVar:

ClinVar aggregate classification (germline): Uncertain significance (1 of 4 stars; one submission).

Conditions:
Ullrich congenital muscular dystrophy 2 (UCMD2). Identifiers: Orphanet 75840, MedGen C4225314, MONDO:0014654, OMIM 616470.
Bethlem myopathy 2 (BTHLM2). Identifiers: Orphanet 536516, Orphanet 610, MedGen C4225313, MONDO:0034022, OMIM 616471.

Submission:

Labcorp Genetics (formerly Invitae), Labcorp
Classification: Uncertain significance for Bethlem myopathy 2; Ullrich congenital muscular dystrophy 2. Last evaluated: 2025-05-13. Review status: criteria provided, single submitter. Criteria: Invitae Variant Classification Sherloc (09022015). Collection method: clinical testing. Allele origin: germline.
Comment: This sequence change affects codon 1472 of the COL12A1 mRNA. It is a 'silent' change, meaning that it does not change the encoded amino acid sequence of the COL12A1 protein. It affects a nucleotide within the consensus splice site. This variant is not present in population databases (gnomAD no frequency). This variant has not been reported in the literature in individuals affected with COL12A1-related conditions. Algorithms developed to predict the effect of sequence changes on RNA splicing suggest that this variant is not likely to affect RNA splicing. In summary, the available evidence is currently insufficient to determine the role of this variant in disease. Therefore, it has been classified as a Variant of Uncertain Significance.

NM_004370.6(COL12A1):c.4416C>T (p.Thr1472=)

Genes: COL12A1 (collagen type XII alpha 1 chain; minus strand), LOC129996730 (ATAC-STARR-seq lymphoblastoid active region 24756; plus strand). Cytogenetic location: 6q13.
Variant type: single nucleotide variant.
Coding change: c.4416C>T on transcript NM_004370.6 (MANE Select); coding-DNA position 4416, C replaced by T.
Protein change: p.Thr1472=; no amino-acid change (threonine 1472 retained).
Molecular consequence: synonymous variant.
Genome position (GRCh38, 1-based): chr6:75,147,676, G>A on the plus strand (C>T on the coding strand, the complement: COL12A1 is on the minus strand). VCF-style: chr6-75147676-G-A. GRCh37 (hg19) VCF-style: chr6-75857392-G-A.
Other names: c.4416C>T, p.Thr1472= (NM_001424113.1, NM_001424114.1); c.4143C>T, p.Thr1381= (NM_001424115.1); c.924C>T, p.Thr308= (NM_001424116.1, NM_080645.3).
Identifiers: ClinVar variation 4784943 (VCV004784943.1).